The following is an entry in ClinVar:

ClinVar aggregate classification (germline): Uncertain significance. Review status: criteria provided, multiple submitters, no conflicts (2 of 4 stars). 2 submissions from 2 submitters: Uncertain significance (2). Last evaluated 2024-03-29.

Conditions:
Inborn genetic diseases. Identifiers: MedGen C0950123, MeSH D030342.
Ehlers-Danlos syndrome, spondylodysplastic type, 3. Also called: Ehlers-Danlos syndrome, spondylocheirodysplastic type. Identifiers: Orphanet 157965, MedGen C2676510, MONDO:0012873, OMIM 612350.

Allele frequency attached by ClinVar (database versions not stated): gnomAD exomes 0.00001 and 0.00002; ESP Exome Variant Server 0.00015; gnomAD 0.00001; TOPMed 0.00003; ExAC 0.00002.
gnomAD v4.1: 20 of 1,613,784 alleles (0.0012%); highest among the groups gnomAD compares: Middle Eastern, 0.016%; no homozygotes.

Submissions (2):

Ambry Genetics
Classification: Uncertain significance for Inborn genetic diseases. Last evaluated: 2024-03-29. Review status: criteria provided, single submitter. Criteria: Ambry Variant Classification Scheme 2023. Collection method: clinical testing. Allele origin: germline.

Labcorp Genetics (formerly Invitae), Labcorp
Classification: Uncertain significance for Ehlers-Danlos syndrome, spondylodysplastic type, 3. Last evaluated: 2023-12-15. Review status: criteria provided, single submitter. Criteria: Invitae Variant Classification Sherloc (09022015). Collection method: clinical testing. Allele origin: germline.
Comment: This sequence change replaces arginine, which is basic and polar, with cysteine, which is neutral and slightly polar, at codon 98 of the SLC39A13 protein (p.Arg98Cys). This variant is present in population databases (rs369854018, gnomAD 0.01%). This variant has not been reported in the literature in individuals affected with SLC39A13-related conditions. ClinVar contains an entry for this variant (Variation ID: 1462526). An algorithm developed to predict the effect of missense changes on protein structure and function (PolyPhen-2) suggests that this variant is likely to be tolerated. In summary, the available evidence is currently insufficient to determine the role of this variant in disease. Therefore, it has been classified as a Variant of Uncertain Significance.

NM_001128225.3(SLC39A13):c.292C>T (p.Arg98Cys)

Gene: SLC39A13 (solute carrier family 39 member 13; plus strand). Cytogenetic location: 11p11.2.
Variant type: single nucleotide variant.
Coding change: c.292C>T on transcript NM_001128225.3 (MANE Select); coding-DNA position 292, C replaced by T.
Protein change: p.Arg98Cys; replaces arginine 98 with cysteine.
Molecular consequence: missense variant. On other transcripts: non-coding transcript variant (1).
Genome position (GRCh38, 1-based): chr11:47,410,386, C>T. VCF-style: chr11-47410386-C-T. GRCh37 (hg19) VCF-style: chr11-47431937-C-T.
Other names: c.292C>T, p.Arg98Cys (NM_001330245.2, NM_152264.5); c.292C>T (NM_152264.4); short protein forms R98C.
Identifiers: ClinVar variation 1462526 (VCV001462526.10), dbSNP rs369854018, ClinGen allele CA5975702.